The following is an entry in ClinVar:

ClinVar aggregate classification (germline): Conflicting classifications of pathogenicity. Review status: criteria provided, conflicting classifications (1 of 4 stars). 9 submissions from 7 submitters: Uncertain significance (1); Benign (2); Likely benign (5). 1 of the submissions does not count toward it. Last evaluated 2026-10-01.

Conditions:
SPTA1-related disorder. Also called: SPTA1-related disorders; SPTA1-related condition.
Hereditary spherocytosis type 3. Also called: Spherocytosis type 3; SPTA1-Related Spherocytosis. Identifiers: Orphanet 822, MedGen C2678338, MONDO:0010053, OMIM 270970.
Elliptocytosis 2 (EL2). Also called: ELLIPTOCYTOSIS, RHESUS-UNLINKED TYPE. Identifiers: Orphanet 288, MedGen C1851741, MONDO:0007533, OMIM 130600.
Pyropoikilocytosis, hereditary. Also called: Pyropoikilocytosis. Identifiers: MedGen C0520739, MONDO:0009948, OMIM 266140, HP:0004839. Disease mechanism: loss of function.

Allele frequency attached by ClinVar (database versions not stated): 1000 Genomes Project 0.00140; 1000 Genomes Project 30x 0.00203; gnomAD exomes 0.00369 and 0.00457; ExAC 0.00375; TOPMed 0.00377; ESP Exome Variant Server 0.00409; gnomAD 0.00411 and 0.00424.
gnomAD v4.1: 7,279 of 1,613,346 alleles (0.45%); highest among the groups gnomAD compares: Non-Finnish European, 0.54%; 28 homozygotes.

Submissions (9):

CeGaT Center for Human Genetics Tuebingen
Classification: Benign. Last evaluated: 2026-10-01. Review status: criteria provided, single submitter. Criteria: CeGaT Center For Human Genetics Tuebingen Variant Classification Criteria Version 2. Collection method: clinical testing. Allele origin: germline. Affected: yes. Observed: 15 variant alleles.
Comment: SPTA1: BP4, BS1, BS2

Labcorp Genetics (formerly Invitae), Labcorp
Classification: Likely benign. Last evaluated: 2026-01-26. Review status: criteria provided, single submitter. Criteria: Invitae Variant Classification Sherloc (09022015). Collection method: clinical testing. Allele origin: germline.

Mayo Clinic Laboratories, Mayo Clinic
Classification: Uncertain significance. Last evaluated: 2025-04-08. Review status: criteria provided, single submitter. Criteria: ACMG Guidelines, 2015. Collection method: clinical testing. Allele origin: germline. Observed: 18 variant alleles.

ARUP Laboratories, Molecular Genetics and Genomics, ARUP Laboratories
Classification: Likely benign. Last evaluated: 2025-02-06. Review status: criteria provided, single submitter. Criteria: ARUP Molecular Germline Variant Investigation Process 2024. Collection method: clinical testing. Allele origin: germline.

Blueprint Genetics
Classification: Likely benign. Last evaluated: 2024-11-22. Review status: criteria provided, single submitter. Criteria: ACMG Guidelines, 2015. Collection method: clinical testing. Allele origin: germline.

Illumina Laboratory Services, Illumina
Classification: Benign for Pyropoikilocytosis, hereditary. Last evaluated: 2017-05-09. Review status: criteria provided, single submitter. Criteria: ICSL Variant Classification Criteria 13 December 2019. Collection method: clinical testing. Allele origin: germline.
Comment: This variant was observed as part of a predisposition screen in an ostensibly healthy population. A literature search was performed for the gene, cDNA change, and amino acid change (where applicable). No publications were found based on this search. Allele frequency data from public databases was too high to be consistent with this variant causing disease. Therefore, this variant is classified as benign.

Illumina Laboratory Services, Illumina
Classification: Likely benign for Hereditary spherocytosis type 3. Last evaluated: 2017-05-09. Review status: criteria provided, single submitter. Criteria: ICSL Variant Classification Criteria 13 December 2019. Collection method: clinical testing. Allele origin: germline.
Comment: This variant was observed as part of a predisposition screen in an ostensibly healthy population. A literature search was performed for the gene, cDNA change, and amino acid change (where applicable). No publications were found based on this search. Allele frequency data from public databases allowed determination this variant is unlikely to cause disease. Therefore, this variant is classified as likely benign.

Illumina Laboratory Services, Illumina
Classification: Likely benign for Elliptocytosis 2. Last evaluated: 2017-05-09. Review status: criteria provided, single submitter. Criteria: ICSL Variant Classification Criteria 13 December 2019. Collection method: clinical testing. Allele origin: germline.
Comment: the same text as in the submission from Illumina Laboratory Services, Illumina above.

PreventionGenetics, part of Exact Sciences
Classification: Likely benign for SPTA1-related condition. Last evaluated: 2020-11-24. Review status: no assertion criteria provided. Collection method: clinical testing. Allele origin: germline. Not counted in ClinVar's aggregate classification.
Comment: This variant is classified as likely benign based on ACMG/AMP sequence variant interpretation guidelines (Richards et al. 2015 PMID: 25741868, with internal and published modifications).

NM_003126.4(SPTA1):c.33G>C (p.Glu11Asp)

Gene: SPTA1 (spectrin alpha, erythrocytic 1; minus strand). Cytogenetic location: 1q23.1.
Variant type: single nucleotide variant.
Coding change: c.33G>C on transcript NM_003126.4 (MANE Select); coding-DNA position 33, G replaced by C.
Protein change: p.Glu11Asp; replaces glutamic acid 11 with aspartic acid.
Molecular consequence: missense variant.
Genome position (GRCh38, 1-based): chr1:158,685,339, C>G on the plus strand (G>C on the coding strand, the complement: SPTA1 is on the minus strand). VCF-style: chr1-158685339-C-G. GRCh37 (hg19) VCF-style: chr1-158655129-C-G.
Other names: short protein forms E11D.
Identifiers: ClinVar variation 618385 (VCV000618385.69), dbSNP rs41273533, ClinGen allele CA1184269.